The following is an entry in ClinVar:

ClinVar aggregate classification (germline): Uncertain significance (1 of 4 stars; one submission).

Conditions:
TTN-related disorder. Also called: TTN-related disorders; TTN-related condition; TTN-related disease.

Submission:

PreventionGenetics, part of Exact Sciences
Classification: Uncertain significance for TTN-related condition. Last evaluated: 2024-12-17. Review status: criteria provided, single submitter. Criteria: ACMG Guidelines, 2015. Collection method: clinical testing. Allele origin: germline.
Comment: The TTN c.75146C>A variant is predicted to result in the amino acid substitution p.Pro25049His. To our knowledge, this variant has not been reported in the literature or in a large population database (gnomAD), indicating this variant is rare. At this time, the clinical significance of this variant is uncertain due to the absence of conclusive functional and genetic evidence.

NM_001267550.2(TTN):c.75146C>A (p.Pro25049His)

Genes: TTN (titin; minus strand), TTN-AS1 (TTN antisense RNA 1; plus strand). Cytogenetic location: 2q31.2.
Variant type: single nucleotide variant.
Coding change: c.75146C>A on transcript NM_001267550.2 (MANE Select); coding-DNA position 75146, C replaced by A.
Protein change: p.Pro25049His; replaces proline 25049 with histidine.
Molecular consequence: missense variant.
Genome position (GRCh38, 1-based): chr2:178,570,986, G>T on the plus strand (C>A on the coding strand, the complement: TTN is on the minus strand). VCF-style: chr2-178570986-G-T. GRCh37 (hg19) VCF-style: chr2-179435713-G-T.
Other names: c.70223C>A, p.Pro23408His (NM_001256850.1); c.47951C>A, p.Pro15984His (NM_003319.4); c.67442C>A, p.Pro22481His (NM_133378.4); c.48326C>A, p.Pro16109His (NM_133432.3); c.48527C>A, p.Pro16176His (NM_133437.4); short protein forms P16109H, P22481H, P15984H, P23408H, P25049H, P16176H.
Identifiers: ClinVar variation 5001620 (VCV005001620.1).
Genomic context (GRCh38, chr2:178,570,986, plus strand): 5'-GTTACTTCAAAATGAGTGTCAATAATATTTGTAAAACTGGCTTTCATCCAACGGCCCTCA[G>T]GTAATTCTTTCTTCTCAACAATATAACCAGTGATCTTGCTTCCACCGTCATAGGTGGGTT-3'
Protein context (NP_001254479.2, residues 25039-25059): TGYIVEKKEL[Pro25049His]EGRWMKASFT